The following is an entry in ClinVar:

ClinVar aggregate classification (germline): Uncertain significance. Review status: criteria provided, single submitter (1 of 4 stars). 2 submissions from 2 submitters: Uncertain significance (1). 1 of the submissions does not count toward it. Last evaluated 2022-03-18.

Conditions:
Alstrom syndrome (ALMS). Identifiers: Orphanet 64, MedGen C0268425, MONDO:0008763, OMIM 203800.

Allele frequency attached by ClinVar (database versions not stated): gnomAD 0.00001.
gnomAD v4.1: 1 of 1,613,260 alleles (0.000062%); highest among the groups gnomAD compares: African/African-American, 0.0013%; no homozygotes.

Submissions (2):

Labcorp Genetics (formerly Invitae), Labcorp
Classification: Uncertain significance for Alstrom syndrome. Last evaluated: 2022-03-18. Review status: criteria provided, single submitter. Criteria: Invitae Variant Classification Sherloc (09022015). Collection method: clinical testing. Allele origin: germline.
Comment: This sequence change replaces glutamic acid, which is acidic and polar, with aspartic acid, which is acidic and polar, at codon 1782 of the ALMS1 protein (p.Glu1782Asp). This variant is not present in population databases (gnomAD no frequency). This variant has not been reported in the literature in individuals affected with ALMS1-related conditions. ClinVar contains an entry for this variant (Variation ID: 849503). Experimental studies and prediction algorithms are not available or were not evaluated, and the functional significance of this variant is currently unknown. In summary, the available evidence is currently insufficient to determine the role of this variant in disease. Therefore, it has been classified as a Variant of Uncertain Significance.

Natera, Inc.
Classification: Uncertain significance for Alstrom syndrome. Last evaluated: 2021-03-10. Review status: no assertion criteria provided. Collection method: clinical testing. Allele origin: germline. Not counted in ClinVar's aggregate classification.

NM_001378454.1(ALMS1):c.5343G>C (p.Glu1781Asp)

Gene: ALMS1 (ALMS1 centrosome and basal body associated protein; plus strand). Cytogenetic location: 2p13.1.
Variant type: single nucleotide variant.
Coding change: c.5343G>C on transcript NM_001378454.1 (MANE Select); coding-DNA position 5343, G replaced by C.
Protein change: p.Glu1781Asp; replaces glutamic acid 1781 with aspartic acid.
Molecular consequence: missense variant.
Genome position (GRCh38, 1-based): chr2:73,451,870, G>C. VCF-style: chr2-73451870-G-C. GRCh37 (hg19) VCF-style: chr2-73678997-G-C.
Other names: c.5346G>C, p.Glu1782Asp (NM_015120.4); short protein forms E1781D, E1782D.
Identifiers: ClinVar variation 849503 (VCV000849503.11), dbSNP rs1671948778, ClinGen allele CA347281033.